The following is an entry in ClinVar:

ClinVar aggregate classification (germline): Uncertain significance (1 of 4 stars; one submission).

Conditions:
Kleefstra syndrome 1 (KLEFS1). Identifiers: Orphanet 261494, MedGen C0795833, MONDO:0027407, OMIM 610253.

Submission:

Labcorp Genetics (formerly Invitae), Labcorp
Classification: Uncertain significance for Kleefstra syndrome 1. Last evaluated: 2023-11-27. Review status: criteria provided, single submitter. Criteria: Invitae Variant Classification Sherloc (09022015). Collection method: clinical testing. Allele origin: germline.
Comment: This sequence change replaces threonine, which is neutral and polar, with methionine, which is neutral and non-polar, at codon 801 of the EHMT1 protein (p.Thr801Met). Information on the frequency of this variant in the gnomAD database is not available, as this variant may be reported differently in the database. This variant has not been reported in the literature in individuals affected with EHMT1-related conditions. An algorithm developed to predict the effect of missense changes on protein structure and function (PolyPhen-2) suggests that this variant is likely to be disruptive. In summary, the available evidence is currently insufficient to determine the role of this variant in disease. Therefore, it has been classified as a Variant of Uncertain Significance.

NM_024757.5(EHMT1):c.2402_2403delinsTG (p.Thr801Met)

Gene: EHMT1 (euchromatic histone lysine methyltransferase 1; plus strand). Cytogenetic location: 9q34.3.
Variant type: Indel.
Coding change: c.2402_2403delinsTG on transcript NM_024757.5 (MANE Select); coding-DNA positions 2402 to 2403, CC replaced by TG.
Protein change: p.Thr801Met; replaces threonine 801 with methionine.
Molecular consequence: missense variant.
Genome position (GRCh38, 1-based): chr9:137,790,867-137,790,868, CC replaced by TG. VCF-style: chr9-137790867-CC-TG. GRCh37 (hg19) VCF-style: chr9-140685319-CC-TG.
Other names: c.2309_2310delinsTG, p.Thr770Met (NM_001354259.2); c.2381_2382delinsTG, p.Thr794Met (NM_001354263.2); short protein forms T770M, T794M, T801M.
Identifiers: ClinVar variation 2881031 (VCV002881031.3), dbSNP rs2538202478, ClinGen allele CA2739265255.